The following is an entry in ClinVar:

NM_004667.6(HERC2):c.10229+5G>A

Gene: HERC2 (HECT and RLD domain containing E3 ubiquitin protein ligase 2; minus strand). Cytogenetic location: 15q13.1.
Variant type: single nucleotide variant.
Coding change: c.10229+5G>A on transcript NM_004667.6 (MANE Select); 5 bases into the intron after coding-DNA position 10229, G replaced by A.
Molecular consequence: intron variant.
Genome position (GRCh38, 1-based): chr15:28,169,479, C>T on the plus strand (G>A on the coding strand, the complement: HERC2 is on the minus strand). VCF-style: chr15-28169479-C-T. GRCh37 (hg19) VCF-style: chr15-28414625-C-T.
Identifiers: ClinVar variation 2579945 (VCV002579945.2), dbSNP rs1374974876, ClinGen allele CA711744709.
Genomic context (GRCh38, chr15:28,169,479, plus strand): 5'-AAAAAATCACAAAAATGTGAAGCTCACATAATTGCAGAATTTCAAAAATTAGCACAGAAG[C>T]CTACCTGGCATACATGATTTGCAATGCTGTAAGAATATGTGATAAGGCCTGCTGTTTGGC-3'

ClinVar aggregate classification (germline): Uncertain significance (1 of 4 stars; one submission).

gnomAD v4.1: 11 of 1,559,886 alleles (0.00071%); highest among the groups gnomAD compares: Admixed American, 0.0039%; no homozygotes.

Submission:

GeneDx
Classification: Uncertain significance. Last evaluated: 2025-11-18. Review status: criteria provided, single submitter. Criteria: GeneDx Variant Classification Process June 2021. Collection method: clinical testing. Allele origin: germline.
Comment: Has not been previously published as pathogenic or benign to our knowledge; Not observed at significant frequency in large population cohorts (gnomAD); In silico analysis suggests this variant may impact gene splicing. In the absence of RNA/functional studies, the actual effect of this sequence change is unknown.